The following is an entry in ClinVar:

NM_001267550.2(TTN):c.5192A>G (p.Asp1731Gly)

Gene: TTN (titin; minus strand). Cytogenetic location: 2q31.2.
Variant type: single nucleotide variant.
Coding change: c.5192A>G on transcript NM_001267550.2 (MANE Select); coding-DNA position 5192, A replaced by G.
Protein change: p.Asp1731Gly; replaces aspartic acid 1731 with glycine.
Molecular consequence: missense variant.
Genome position (GRCh38, 1-based): chr2:178,776,672, T>C on the plus strand (A>G on the coding strand, the complement: TTN is on the minus strand). VCF-style: chr2-178776672-T-C. GRCh37 (hg19) VCF-style: chr2-179641399-T-C.
Other names: c.5054A>G, p.Asp1685Gly (NM_133437.4, NM_003319.4, NM_133432.3); c.5192A>G, p.Asp1731Gly (NM_133378.4, NM_001256850.1, NM_133379.5); short protein forms D1731G, D1685G.
Identifiers: ClinVar variation 229478 (VCV000229478.5), dbSNP rs876658072, ClinGen allele CA10576575.

ClinVar aggregate classification (germline): Uncertain significance (1 of 4 stars; one submission).

Allele frequency attached by ClinVar (database versions not stated): gnomAD exomes 0.00001; TOPMed 0.00001; gnomAD 0.00003.
gnomAD v4.1: 3 of 1,614,168 alleles (0.00019%); highest among the groups gnomAD compares: Non-Finnish European, 0.00025%; no homozygotes.

Submission:

Laboratory for Molecular Medicine, Mass General Brigham Personalized Medicine
Classification: Uncertain significance. Last evaluated: 2016-03-18. Review status: criteria provided, single submitter. Criteria: LMM Criteria. Collection method: clinical testing. Allele origin: germline. Observed: 1 variant allele.
Comment: The p.Asp1731Gly variant in TTN has not been previously reported in individuals with cardiomyopathy or in large population studies. Computational prediction too ls and conservation analysis suggest that the p.Asp1731Gly variant may impact th e protein, though this information is not predictive enough to determine pathoge nicity. In summary, the clinical significance of the p.Asp1731Gly variant is unc ertain.